The following is an entry in ClinVar:

ClinVar aggregate classification (germline): Conflicting classifications of pathogenicity. Review status: criteria provided, conflicting classifications (1 of 4 stars). 9 submissions from 9 submitters: Pathogenic (2); Likely pathogenic (5); Uncertain significance (1). 1 of the submissions does not count toward it. Last evaluated 2026-09-01.

Conditions:
PALB2-related cancer predisposition. Identifiers: MedGen CN377761, MONDO:0700272.
Hereditary cancer-predisposing syndrome. Also called: Hereditary neoplastic syndrome; Tumor predisposition; Neoplastic Syndromes, Hereditary; Hereditary Cancer Syndrome. Identifiers: Orphanet 140162, MedGen C0027672, MeSH D009386, MONDO:0015356.
Familial cancer of breast. Also called: hereditary breast carcinoma; BREAST CANCER, FAMILIAL; Hereditary breast cancer. Identifiers: Orphanet 227535, MedGen C0346153, MONDO:0016419, OMIM 114480. Disease mechanism: loss of function.

Allele frequency attached by ClinVar (database versions not stated): gnomAD exomes below 0.00001; ExAC 0.00001.

Submissions (9):

CeGaT Center for Human Genetics Tuebingen
Classification: Pathogenic. Last evaluated: 2026-09-01. Review status: criteria provided, single submitter. Criteria: CeGaT Center For Human Genetics Tuebingen Variant Classification Criteria Version 2. Collection method: clinical testing. Allele origin: germline. Affected: yes. Observed: 2 variant alleles.
Comment: PALB2: PVS1, PM2, PS4:Moderate

Ambry Genetics
Classification: Likely pathogenic for Hereditary cancer-predisposing syndrome. Last evaluated: 2025-10-20. Review status: criteria provided, single submitter. Criteria: Ambry Variant Classification Scheme 2023. Collection method: clinical testing. Allele origin: germline.
Comment: The c.109-12T>A intronic variant results from a T to A substitution 12 nucleotides upstream from coding exon 3 in the PALB2 gene. This alteration was detected in an individual diagnosed with breast cancer and RT-PCR showed an insertion of 10 base pairs resulting in a frameshift protein (Kraus C et al. Int J Cancer, 2017 Jan;140:95-102). This nucleotide position is highly conserved in available vertebrate species. In silico splice site analysis predicts that this alteration will weaken the native splice acceptor site and will result in the creation or strengthening of a novel splice acceptor site. RNA studies have demonstrated that this alteration results in abnormal splicing in the set of samples tested (Ambry internal data). This variant is considered to be rare based on population cohorts in the Genome Aggregation Database (gnomAD). Based on the majority of available evidence to date, this variant is likely to be pathogenic.

Labcorp Genetics (formerly Invitae), Labcorp
Classification: Pathogenic for Familial cancer of breast. Last evaluated: 2025-08-06. Review status: criteria provided, single submitter. Criteria: Invitae Variant Classification Sherloc (09022015). Collection method: clinical testing. Allele origin: germline.
Comment: This sequence change falls in intron 2 of the PALB2 gene. It does not directly change the encoded amino acid sequence of the PALB2 protein. RNA analysis indicates that this variant induces altered splicing and may result in an absent or altered protein product. This variant is not present in population databases (gnomAD no frequency). This variant has been observed in individual(s) with a personal or family history of breast cancer (PMID: 21618343, 27616075). ClinVar contains an entry for this variant (Variation ID: 490064). Studies have shown that this variant results in activation of a cryptic splice site, and produces a non-functional protein and/or introduces a premature termination codon (PMID: 21618343; internal data). For these reasons, this variant has been classified as Pathogenic.

GeneDx
Classification: Likely pathogenic. Last evaluated: 2025-04-11. Review status: criteria provided, single submitter. Criteria: GeneDx Variant Classification Process June 2021. Collection method: clinical testing. Allele origin: germline. Affected: yes.
Comment: Observed in individuals with personal and/or family history of breast cancer (PMID: 27616075, 21618343); Not observed at significant frequency in large population cohorts (gnomAD); Non-canonical splice site variant demonstrated to result in protein truncation or nonsense mediated decay in a gene for which loss-of-function is a known mechanism of disease (PMID: 27616075); This variant is associated with the following publications: (PMID: 21618343, 27616075)

Baylor Genetics
Classification: Likely pathogenic for Familial cancer of breast. Last evaluated: 2022-11-23. Review status: criteria provided, single submitter. Criteria: ACMG Guidelines, 2015. Collection method: clinical testing. Allele origin: unknown.

Color Diagnostics, LLC DBA Color Health
Classification: Likely pathogenic for Hereditary cancer-predisposing syndrome. Last evaluated: 2022-01-25. Review status: criteria provided, single submitter. Criteria: ACMG Guidelines, 2015. Collection method: clinical testing. Allele origin: germline.
Comment: This variant causes a T to A nucleotide substitution at the -12 position of intron 2 of the PALB2 gene. An RNA study has shown that this variant creates a cryptic splice acceptor site in intron 2, resulting in the retention of intronic sequence (c.108_109insTCTCCTCTAG) and a frameshift in the open reading frame (PMID: 27616075). This variant has been reported in at least five individuals affected with breast cancer (PMID: 21618343, 27616075; Communication with external laboratories and the German Breast Cancer Consortium). These individuals were presented with familial, early-onset, bilateral, or triple-negative breast cancer. This variant has been identified in 1/251448 chromosomes in the general population by the Genome Aggregation Database (gnomAD). Based on the available evidence, this variant is classified as Likely Pathogenic.

Revvity Omics, Revvity
Classification: Uncertain significance. Last evaluated: 2021-07-22. Review status: criteria provided, single submitter. Criteria: ACMG Guidelines, 2015. Collection method: clinical testing. Allele origin: germline.

Department of Pathology and Laboratory Medicine, Sinai Health System
Classification: Likely pathogenic for PALB2-related cancer predisposition. Review status: criteria provided, single submitter. Criteria: ACMG Guidelines, 2015. Collection method: clinical testing. Allele origin: germline.

Leiden Open Variation Database
Classification: Likely pathogenic. Last evaluated: 2019-12-04. Review status: no assertion criteria provided. Collection method: curation. Allele origin: germline. Affected: yes. Not counted in ClinVar's aggregate classification.
Comment: Curators: Marc Tischkowitz, Arleen D. Auerbach. Submitter to LOVD: Andreas Laner.

Literature cited by the submitters: PubMed 21618343 (cited by 3 submitters); PubMed 27616075 (cited by 3 submitters).

NM_024675.4(PALB2):c.109-12T>A

Gene: PALB2 (partner and localizer of BRCA2; minus strand). Cytogenetic location: 16p12.2.
Variant type: single nucleotide variant.
Coding change: c.109-12T>A on transcript NM_024675.4 (MANE Select); 12 bases into the intron before coding-DNA position 109, T replaced by A.
Molecular consequence: intron variant.
Genome position (GRCh38, 1-based): chr16:23,637,964, A>T on the plus strand (T>A on the coding strand, the complement: PALB2 is on the minus strand). VCF-style: chr16-23637964-A-T. GRCh37 (hg19) VCF-style: chr16-23649285-A-T.
Identifiers: ClinVar variation 490064 (VCV000490064.32), dbSNP rs774949203, ClinGen allele CA7963843.